The following is an entry in ClinVar:

NM_001807.6(CEL):c.1806C>T (p.Pro602=)

Gene: CEL (carboxyl ester lipase; plus strand). Cytogenetic location: 9q34.13.
Variant type: single nucleotide variant.
Coding change: c.1806C>T on transcript NM_001807.6 (MANE Select); coding-DNA position 1806, C replaced by T.
Protein change: p.Pro602=; no amino-acid change (proline 602 retained).
Molecular consequence: synonymous variant.
Genome position (GRCh38, 1-based): chr9:133,071,308, C>T. VCF-style: chr9-133071308-C-T. GRCh37 (hg19) VCF-style: chr9-135946695-C-T.
Identifiers: ClinVar variation 2659670 (VCV002659670.24), dbSNP rs1159899094, ClinGen allele CA467814435.

ClinVar aggregate classification (germline): Likely benign (1 of 4 stars; one submission).

Submission:

CeGaT Center for Human Genetics Tuebingen
Classification: Likely benign. Last evaluated: 2023-02-01. Review status: criteria provided, single submitter. Criteria: CeGaT Center For Human Genetics Tuebingen Variant Classification Criteria Version 2. Collection method: clinical testing. Allele origin: germline. Affected: yes. Observed: 1 variant allele.
Comment: CEL: PM2:Supporting, BP4, BP7